The following is an entry in ClinVar:

ClinVar aggregate classification (germline): Pathogenic (1 of 4 stars; one submission).

Submission:

Ambry Genetics
Classification: Pathogenic. Last evaluated: 2026-06-03. Review status: criteria provided, single submitter. Criteria: Ambry Variant Classification Scheme 2023. Collection method: clinical testing. Allele origin: germline.
Comment: The p.K1171* variant (also known as c.3511A>T), located in coding exon 4 of the MLH3 gene, results from an A to T substitution at nucleotide position 3511. This changes the amino acid from a lysine to a stop codon within coding exon 4. This variant is considered to be rare based on population cohorts in the Genome Aggregation Database (gnomAD). This alteration is expected to result in loss of function by premature protein truncation or nonsense-mediated mRNA decay. As such, this alteration is interpreted as a disease-causing mutation.

NM_001040108.2(MLH3):c.3511A>T (p.Lys1171Ter)

Gene: MLH3 (mutL homolog 3; minus strand). Cytogenetic location: 14q24.3.
Variant type: single nucleotide variant.
Coding change: c.3511A>T on transcript NM_001040108.2 (MANE Select); coding-DNA position 3511, A replaced by T.
Protein change: p.Lys1171Ter; replaces lysine 1171 with a stop codon.
Molecular consequence: nonsense.
Genome position (GRCh38, 1-based): chr14:75,039,970, T>A on the plus strand (A>T on the coding strand, the complement: MLH3 is on the minus strand). VCF-style: chr14-75039970-T-A. GRCh37 (hg19) VCF-style: chr14-75506673-T-A.
Other names: c.3511A>T, p.Lys1171Ter (NM_014381.3); short protein forms K1171*.
Identifiers: ClinVar variation 4826059 (VCV004826059.2).
Genomic context (GRCh38, chr14:75,039,970, plus strand): 5'-CCTGCATTGAATGAATCATTCCTTTGGTGAAACGATAGGGATACAAGATGTTGTGAATTT[T>A]AACTGCTAAGCTCTCAGCCTGGCCACTGCTTACATCAACAGCAACCTAGAAAGACTCAGC-3'